The following is an entry in ClinVar:

ClinVar aggregate classification (germline): Uncertain significance (1 of 4 stars; one submission).

Conditions:
Catecholaminergic polymorphic ventricular tachycardia 1. Also called: VENTRICULAR TACHYCARDIA, STRESS-INDUCED POLYMORPHIC 1; RYR2-Related Catecholaminergic Polymorphic Ventricular Tachycardia; VENTRICULAR TACHYCARDIA, CATECHOLAMINERGIC POLYMORPHIC, 1, WITH OR WITHOUT ATRIAL DYSFUNCTION AND/OR DILATED CARDIOMYOPATHY. Identifiers: Orphanet 3286, MedGen C1631597, MONDO:0011484, OMIM 604772.

Submission:

Labcorp Genetics (formerly Invitae), Labcorp
Classification: Uncertain significance for Catecholaminergic polymorphic ventricular tachycardia 1. Last evaluated: 2023-03-30. Review status: criteria provided, single submitter. Criteria: Invitae Variant Classification Sherloc (09022015). Collection method: clinical testing. Allele origin: germline.
Comment: Advanced modeling of protein sequence and biophysical properties (such as structural, functional, and spatial information, amino acid conservation, physicochemical variation, residue mobility, and thermodynamic stability) performed at Invitae indicates that this missense variant is expected to disrupt RYR2 protein function. In summary, the available evidence is currently insufficient to determine the role of this variant in disease. Therefore, it has been classified as a Variant of Uncertain Significance. This variant has not been reported in the literature in individuals affected with RYR2-related conditions. This variant is not present in population databases (gnomAD no frequency). This sequence change replaces aspartic acid, which is acidic and polar, with tyrosine, which is neutral and polar, at codon 458 of the RYR2 protein (p.Asp458Tyr).

NM_001035.3(RYR2):c.1372G>T (p.Asp458Tyr)

Gene: RYR2 (ryanodine receptor 2; plus strand). Cytogenetic location: 1q43.
Variant type: single nucleotide variant.
Coding change: c.1372G>T on transcript NM_001035.3 (MANE Select); coding-DNA position 1372, G replaced by T.
Protein change: p.Asp458Tyr; replaces aspartic acid 458 with tyrosine.
Molecular consequence: missense variant.
Genome position (GRCh38, 1-based): chr1:237,454,470, G>T. VCF-style: chr1-237454470-G-T. GRCh37 (hg19) VCF-style: chr1-237617770-G-T.
Other names: short protein forms D458Y.
Identifiers: ClinVar variation 2862924 (VCV002862924.3), dbSNP rs1553458124, ClinGen allele CA345380296.